The following is an entry in ClinVar:

ClinVar aggregate classification (germline): Uncertain significance (1 of 4 stars; one submission).

Conditions:
Arrhythmogenic right ventricular dysplasia 11. Also called: ARRHYTHMOGENIC RIGHT VENTRICULAR DYSPLASIA, FAMILIAL, 11; Arrhythmogenic Right Ventricular Dysplasia/Cardiomyopathy11; Arrhythmogenic right ventricular dysplasia 11 with mild palmoplantar keratoderma and woolly hair. Identifiers: MedGen C1864850, MONDO:0012506, OMIM 610476.

Submission:

Labcorp Genetics (formerly Invitae), Labcorp
Classification: Uncertain significance for Arrhythmogenic right ventricular dysplasia 11. Last evaluated: 2023-10-28. Review status: criteria provided, single submitter. Criteria: Invitae Variant Classification Sherloc (09022015). Collection method: clinical testing. Allele origin: germline.
Comment: This sequence change replaces glutamic acid, which is acidic and polar, with lysine, which is basic and polar, at codon 204 of the DSC2 protein (p.Glu204Lys). This variant is not present in population databases (gnomAD no frequency). This variant has not been reported in the literature in individuals affected with DSC2-related conditions. Advanced modeling of protein sequence and biophysical properties (such as structural, functional, and spatial information, amino acid conservation, physicochemical variation, residue mobility, and thermodynamic stability) performed at Invitae indicates that this missense variant is expected to disrupt DSC2 protein function with a positive predictive value of 80%. In summary, the available evidence is currently insufficient to determine the role of this variant in disease. Therefore, it has been classified as a Variant of Uncertain Significance.

NM_024422.6(DSC2):c.610G>A (p.Glu204Lys)

Gene: DSC2 (desmocollin 2; minus strand). Cytogenetic location: 18q12.1.
Variant type: single nucleotide variant.
Coding change: c.610G>A on transcript NM_024422.6 (MANE Select); coding-DNA position 610, G replaced by A.
Protein change: p.Glu204Lys; replaces glutamic acid 204 with lysine.
Molecular consequence: missense variant.
Genome position (GRCh38, 1-based): chr18:31,089,459, C>T on the plus strand (G>A on the coding strand, the complement: DSC2 is on the minus strand). VCF-style: chr18-31089459-C-T. GRCh37 (hg19) VCF-style: chr18-28669422-C-T.
Other names: c.181G>A, p.Glu61Lys (NM_001406506.1, NM_001406507.1); c.610G>A, p.Glu204Lys (NM_004949.5); short protein forms E61K, E204K.
Identifiers: ClinVar variation 2842814 (VCV002842814.3), dbSNP rs2510953732, ClinGen allele CA402113403.
Genomic context (GRCh38, chr18:31,089,459, plus strand): 5'-ATCATCATTGCTAATACAGTACACACATTTTAGACTTTACCTCAAAAGATTCATACTGCT[C>T]ACGATCTACAGGACGAGTACAATACAAGTTTCCAGTGTCTCTCTCCACATAAAATAAATT-3'
Protein context (NP_077740.1, residues 194-214): NLYCTRPVDR[Glu204Lys]QYESFEIIAF